The following is an entry in ClinVar:

ClinVar aggregate classification (germline): Uncertain significance (1 of 4 stars; one submission).

Conditions:
Congenital contractural arachnodactyly (CCA). Also called: Arthrogryposis, distal, type 9; BEALS SYNDROME; Beals-Hecht syndrome. Identifiers: Orphanet 115, MedGen C0220668, MONDO:0007363, OMIM 121050.

Submission:

Labcorp Genetics (formerly Invitae), Labcorp
Classification: Uncertain significance for Congenital contractural arachnodactyly. Last evaluated: 2020-11-29. Review status: criteria provided, single submitter. Criteria: Invitae Variant Classification Sherloc (09022015). Collection method: clinical testing. Allele origin: germline.
Comment: This variant is not present in population databases (ExAC no frequency). In summary, the available evidence is currently insufficient to determine the role of this variant in disease. Therefore, it has been classified as a Variant of Uncertain Significance. Advanced modeling of protein sequence and biophysical properties (such as structural, functional, and spatial information, amino acid conservation, physicochemical variation, residue mobility, and thermodynamic stability) performed at Invitae indicates that this missense variant is expected to disrupt FBN2 protein function. This variant has not been reported in the literature in individuals with FBN2-related conditions. This sequence change replaces cysteine with phenylalanine at codon 2693 of the FBN2 protein (p.Cys2693Phe). The cysteine residue is highly conserved and there is a large physicochemical difference between cysteine and phenylalanine.

NM_001999.4(FBN2):c.8078G>T (p.Cys2693Phe)

Gene: FBN2 (fibrillin 2; minus strand). Cytogenetic location: 5q23.3.
Variant type: single nucleotide variant.
Coding change: c.8078G>T on transcript NM_001999.4 (MANE Select); coding-DNA position 8078, G replaced by T.
Protein change: p.Cys2693Phe; replaces cysteine 2693 with phenylalanine.
Molecular consequence: missense variant.
Genome position (GRCh38, 1-based): chr5:128,263,539, C>A on the plus strand (G>T on the coding strand, the complement: FBN2 is on the minus strand). VCF-style: chr5-128263539-C-A. GRCh37 (hg19) VCF-style: chr5-127599231-C-A.
Other names: short protein forms C2693F.
Identifiers: ClinVar variation 1352291 (VCV001352291.8), dbSNP rs2126795619, ClinGen allele CA360748549.